The following is an entry in ClinVar:

NM_000088.4(COL1A1):c.3370-12_3370-11insAG

Gene: COL1A1 (collagen type I alpha 1 chain; minus strand). Cytogenetic location: 17q21.33.
Variant type: Insertion.
Coding change: c.3370-12_3370-11insAG on transcript NM_000088.4 (MANE Select); 12 bases into the intron before coding-DNA position 3370 through 11 bases into the intron before coding-DNA position 3370, AG inserted.
Molecular consequence: intron variant.
Genome position: GRCh38 VCF-style: chr17-50187548-G-GCT. GRCh37 (hg19) VCF-style: chr17-48264909-G-GCT.
Identifiers: ClinVar variation 2019418 (VCV002019418.4), dbSNP rs2509170185, ClinGen allele CA2580094203.

ClinVar aggregate classification (germline): Uncertain significance (1 of 4 stars; one submission).

Conditions:
Osteogenesis imperfecta type I (OI1). Also called: Lobstein disease; OI, TYPE I; OSTEOGENESIS IMPERFECTA TARDA; OSTEOGENESIS IMPERFECTA WITH BLUE SCLERAE; Osteogenesis imperfecta type 1; Classic Non-deforming Osteogenesis Imperfecta with Blue Sclerae. Identifiers: Orphanet 216796, Orphanet 666, MedGen C0023931, MONDO:0008146, OMIM 166200. Disease mechanism: loss of function.

Submission:

Labcorp Genetics (formerly Invitae), Labcorp
Classification: Uncertain significance for Osteogenesis imperfecta type I. Last evaluated: 2025-05-13. Review status: criteria provided, single submitter. Criteria: Invitae Variant Classification Sherloc (09022015). Collection method: clinical testing. Allele origin: germline.
Comment: This sequence change falls in intron 45 of the COL1A1 gene. It does not directly change the encoded amino acid sequence of the COL1A1 protein. This variant is not present in population databases (gnomAD no frequency). This variant has been observed in individual(s) with clinical features of osteogenesis imperfecta (internal data). It has also been observed to segregate with disease in related individuals. ClinVar contains an entry for this variant (Variation ID: 2019418). Algorithms developed to predict the effect of sequence changes on RNA splicing suggest that this variant may disrupt the consensus splice site. In summary, the available evidence is currently insufficient to determine the role of this variant in disease. Therefore, it has been classified as a Variant of Uncertain Significance.